The following is an entry in ClinVar:

NM_172364.5(CACNA2D4):c.3232G>C (p.Ala1078Pro)

Gene: CACNA2D4 (calcium voltage-gated channel auxiliary subunit alpha2delta 4; minus strand). Cytogenetic location: 12p13.33.
Variant type: single nucleotide variant.
Coding change: c.3232G>C on transcript NM_172364.5 (MANE Select); coding-DNA position 3232, G replaced by C.
Protein change: p.Ala1078Pro; replaces alanine 1078 with proline.
Molecular consequence: missense variant.
Genome position (GRCh38, 1-based): chr12:1,795,376, C>G on the plus strand (G>C on the coding strand, the complement: CACNA2D4 is on the minus strand). VCF-style: chr12-1795376-C-G. GRCh37 (hg19) VCF-style: chr12-1904542-C-G.
Other names: short protein forms A1078P.
Identifiers: ClinVar variation 2119976 (VCV002119976.4), dbSNP rs1157385151, ClinGen allele CA383348134.

ClinVar aggregate classification (germline): Uncertain significance (1 of 4 stars; one submission).

Allele frequency attached by ClinVar (database versions not stated): gnomAD 0.00001.

Submission:

Labcorp Genetics (formerly Invitae), Labcorp
Classification: Uncertain significance. Last evaluated: 2025-07-31. Review status: criteria provided, single submitter. Criteria: Invitae Variant Classification Sherloc (09022015). Collection method: clinical testing. Allele origin: germline.
Comment: This sequence change replaces alanine, which is neutral and non-polar, with proline, which is neutral and non-polar, at codon 1078 of the CACNA2D4 protein (p.Ala1078Pro). This variant is not present in population databases (gnomAD no frequency). This variant has not been reported in the literature in individuals affected with CACNA2D4-related conditions. ClinVar contains an entry for this variant (Variation ID: 2119976). An algorithm developed to predict the effect of missense changes on protein structure and function (PolyPhen-2) suggests that this variant is likely to be tolerated. In summary, the available evidence is currently insufficient to determine the role of this variant in disease. Therefore, it has been classified as a Variant of Uncertain Significance.